The following is an entry in ClinVar:

ClinVar aggregate classification (germline): Uncertain significance (1 of 4 stars; one submission).

Conditions:
Autosomal recessive limb-girdle muscular dystrophy type 2A (LGMDR1). Also called: Calpainopathy; Muscular dystrophy, limb-girdle, type 2A, Amish; LEYDEN-MOEBIUS MUSCULAR DYSTROPHY; MUSCULAR DYSTROPHY, PELVOFEMORAL; Limb-girdle muscular dystrophy, type 2A. Identifiers: Orphanet 267, MedGen C1869123, MONDO:0009675, OMIM 253600. Disease mechanism: loss of function.

Allele frequency attached by ClinVar (database versions not stated): gnomAD exomes below 0.00001; TOPMed 0.00001.
gnomAD v4.1: 4 of 1,614,038 alleles (0.00025%); highest among the groups gnomAD compares: Non-Finnish European, 0.00025%; no homozygotes.

Submission:

Labcorp Genetics (formerly Invitae), Labcorp
Classification: Uncertain significance for Autosomal recessive limb-girdle muscular dystrophy type 2A. Last evaluated: 2022-03-08. Review status: criteria provided, single submitter. Criteria: Invitae Variant Classification Sherloc (09022015). Collection method: clinical testing. Allele origin: germline.
Comment: This sequence change replaces threonine, which is neutral and polar, with arginine, which is basic and polar, at codon 706 of the CAPN3 protein (p.Thr706Arg). This variant is not present in population databases (gnomAD no frequency). This variant has not been reported in the literature in individuals affected with CAPN3-related conditions. Algorithms developed to predict the effect of missense changes on protein structure and function are either unavailable or do not agree on the potential impact of this missense change (SIFT: "Deleterious"; PolyPhen-2: "Probably Damaging"; Align-GVGD: "Class C0"). Algorithms developed to predict the effect of sequence changes on RNA splicing suggest that this variant may disrupt the consensus splice site. In summary, the available evidence is currently insufficient to determine the role of this variant in disease. Therefore, it has been classified as a Variant of Uncertain Significance.

NM_000070.3(CAPN3):c.2117C>G (p.Thr706Arg)

Gene: CAPN3 (calpain 3; plus strand). Cytogenetic location: 15q15.1.
Variant type: single nucleotide variant.
Coding change: c.2117C>G on transcript NM_000070.3 (MANE Select); coding-DNA position 2117, C replaced by G.
Protein change: p.Thr706Arg; replaces threonine 706 with arginine.
Molecular consequence: missense variant.
Genome position (GRCh38, 1-based): chr15:42,410,429, C>G. VCF-style: chr15-42410429-C-G. GRCh37 (hg19) VCF-style: chr15-42702627-C-G.
Other names: c.2099C>G, p.Thr700Arg (NM_024344.2); c.1841C>G, p.Thr614Arg (NM_173087.2); c.581C>G, p.Thr194Arg (NM_173088.2); c.122C>G, p.Thr41Arg (NM_173089.2, NM_173090.2); short protein forms T706R, T194R, T614R, T41R, T700R.
Identifiers: ClinVar variation 1516184 (VCV001516184.5), dbSNP rs1335796666, ClinGen allele CA392001607.